The following is an entry in ClinVar:

NM_001009944.3(PKD1):c.8134A>G (p.Ile2712Val)

Gene: PKD1 (polycystin 1, transient receptor potential channel interacting; minus strand). Cytogenetic location: 16p13.3.
Variant type: single nucleotide variant.
Coding change: c.8134A>G on transcript NM_001009944.3 (MANE Select); coding-DNA position 8134, A replaced by G.
Protein change: p.Ile2712Val; replaces isoleucine 2712 with valine.
Molecular consequence: missense variant.
Genome position (GRCh38, 1-based): chr16:2,104,525, T>C on the plus strand (A>G on the coding strand, the complement: PKD1 is on the minus strand). VCF-style: chr16-2104525-T-C. GRCh37 (hg19) VCF-style: chr16-2154526-T-C.
Other names: c.8134A>G, p.Ile2712Val (NM_000296.4); short protein forms I2712V.
Identifiers: ClinVar variation 3213521 (VCV003213521.10), dbSNP rs778862620, ClinGen allele CA7830708.
Genomic context (GRCh38, chr16:2,104,525, plus strand): 5'-CGGGCGGGTGGCATGGGGCACGGGCCGCGGCACCTGTGATGTTGAGGATGCTGTCTCCGA[T>C]GGCGGTGGGCGTCACGGTGCCCGCGGTGGTCTCTGCCTGCAGGATGAGCATCATGGCCTC-3'
Protein context (NP_001009944.3, residues 2702-2722): TTAGTVTPTA[Ile2712Val]GDSILNITGD

ClinVar aggregate classification (germline): Uncertain significance. Review status: criteria provided, multiple submitters, no conflicts (2 of 4 stars). 4 submissions from 4 submitters: Uncertain significance (4). Last evaluated 2025-12-06.

Conditions:
PKD1-related disorder. Also called: PKD1-related condition.
Inborn genetic diseases. Identifiers: MedGen C0950123, MeSH D030342.
Polycystic kidney disease, adult type (PKD1). Also called: Polycystic Kidney Disease 1, Autosomal Dominant; Polycystic kidney disease 1; Polycystic kidney disease 1, severe; Polycystic Kidney, Autosomal Dominant; POLYCYSTIC KIDNEY DISEASE 1 WITH OR WITHOUT POLYCYSTIC LIVER DISEASE; POLYCYSTIC KIDNEY DISEASE, ADULT, TYPE I. Identifiers: MedGen C3149841, MONDO:0008263, OMIM 173900.

Allele frequency attached by ClinVar (database versions not stated): TOPMed below 0.00001; gnomAD 0.00001; gnomAD exomes 0.00003; ExAC 0.00006.
gnomAD v4.1: 48 of 1,561,082 alleles (0.0031%); highest among the groups gnomAD compares: South Asian, 0.048%; no homozygotes.

Submissions (4):

PreventionGenetics, part of Exact Sciences
Classification: Uncertain significance for PKD1-related condition. Last evaluated: 2025-12-06. Review status: criteria provided, single submitter. Criteria: ACMG Guidelines, 2015. Collection method: clinical testing. Allele origin: germline.
Comment: The PKD1 c.8134A>G variant is predicted to result in the amino acid substitution p.Ile2712Val. To our knowledge, this variant has not been reported in the literature. This variant is reported in 0.035% of alleles in individuals of South Asian descent in gnomAD. Although we suspect that this variant may be benign, at this time, the clinical significance of this variant is uncertain due to the absence of conclusive functional and genetic evidence.

CeGaT Center for Human Genetics Tuebingen
Classification: Uncertain significance. Last evaluated: 2025-09-01. Review status: criteria provided, single submitter. Criteria: CeGaT Center For Human Genetics Tuebingen Variant Classification Criteria Version 2. Collection method: clinical testing. Allele origin: germline. Affected: yes. Observed: 1 variant allele.
Comment: PKD1: PM2

Ambry Genetics
Classification: Uncertain significance for Inborn genetic diseases. Last evaluated: 2023-12-18. Review status: criteria provided, single submitter. Criteria: Ambry Variant Classification Scheme 2023. Collection method: clinical testing. Allele origin: germline.

Department of Pathology and Laboratory Medicine, Sinai Health System
Classification: Uncertain significance for Polycystic kidney disease, adult type. Last evaluated: 2019-12-24. Review status: criteria provided, single submitter. Criteria: ACMG Guidelines, 2015. Collection method: clinical testing. Allele origin: germline. Affected: yes.